The following is an entry in ClinVar:

NM_001384900.1(SEMA3D):c.296A>G (p.Asn99Ser)

Gene: SEMA3D (semaphorin 3D; minus strand). Cytogenetic location: 7q21.11.
Variant type: single nucleotide variant.
Coding change: c.296A>G on transcript NM_001384900.1 (MANE Select); coding-DNA position 296, A replaced by G.
Protein change: p.Asn99Ser; replaces asparagine 99 with serine.
Molecular consequence: missense variant.
Genome position (GRCh38, 1-based): chr7:85,097,821, T>C on the plus strand (A>G on the coding strand, the complement: SEMA3D is on the minus strand). VCF-style: chr7-85097821-T-C. GRCh37 (hg19) VCF-style: chr7-84727137-T-C.
Other names: c.296A>G, p.Asn99Ser (NM_001384901.1, NM_001384902.1, NM_001384903.1 and 1 more transcripts); short protein forms N99S.
Identifiers: ClinVar variation 3351069 (VCV003351069.2).

ClinVar aggregate classification (germline): Uncertain significance. Review status: criteria provided, single submitter (1 of 4 stars). 2 submissions from 2 submitters: Uncertain significance (1). 1 of the submissions does not count toward it. Last evaluated 2025-10-23.

Conditions:
SEMA3D-related disorder. Also called: SEMA3D-related condition.

gnomAD v4.1: 39 of 1,597,100 alleles (0.0024%); highest among the groups gnomAD compares: African/African-American, 0.047%; no homozygotes.

Submissions (2):

Ambry Genetics
Classification: Uncertain significance. Last evaluated: 2025-10-23. Review status: criteria provided, single submitter. Criteria: Ambry Variant Classification Scheme 2023. Collection method: clinical testing. Allele origin: germline.

PreventionGenetics, part of Exact Sciences
Classification: Uncertain significance for SEMA3D-related condition. Last evaluated: 2024-04-16. Review status: no assertion criteria provided. Collection method: clinical testing. Allele origin: germline. Not counted in ClinVar's aggregate classification.
Comment: The SEMA3D c.296A>G variant is predicted to result in the amino acid substitution p.Asn99Ser. To our knowledge, this variant has not been reported in the literature. This variant is reported in 0.053% of alleles in individuals of African descent in gnomAD, which may be too frequent to be a primary cause of disease. Although we suspect that this variant may be benign, at this time, the clinical significance of this variant is uncertain due to the absence of conclusive functional and genetic evidence.